The following is an entry in ClinVar:

ClinVar aggregate classification (germline): Uncertain significance (1 of 4 stars; one submission).

Conditions:
Inborn genetic diseases. Identifiers: MedGen C0950123, MeSH D030342.
Juvenile nephropathic cystinosis. Also called: Intermediate Cystinosis; CYSTINOSIS, LATE-ONSET JUVENILE OR ADOLESCENT NEPHROPATHIC TYPE; Later-Onset (Juvenile) Cystinosis. Identifiers: Orphanet 213, Orphanet 411634, MedGen C0268626, MONDO:0009066, OMIM 219900.
Ocular cystinosis. Also called: Non-Nephropathic Cystinosis; Non-Nephropathic (Ocular) Cystinosis. Identifiers: Orphanet 213, Orphanet 411641, MedGen C2931013, MONDO:0009064, OMIM 219750.

Submission:

Labcorp Genetics (formerly Invitae), Labcorp
Classification: Uncertain significance for Inborn genetic diseases; Ocular cystinosis; Juvenile nephropathic cystinosis. Last evaluated: 2022-07-13. Review status: criteria provided, single submitter. Criteria: Invitae Variant Classification Sherloc (09022015). Collection method: clinical testing. Allele origin: germline.
Comment: This variant is not present in population databases (gnomAD no frequency). This variant has not been reported in the literature in individuals affected with CTNS-related conditions. Advanced modeling of protein sequence and biophysical properties (such as structural, functional, and spatial information, amino acid conservation, physicochemical variation, residue mobility, and thermodynamic stability) performed at Invitae indicates that this missense variant is not expected to disrupt CTNS protein function. In summary, the available evidence is currently insufficient to determine the role of this variant in disease. Therefore, it has been classified as a Variant of Uncertain Significance. This sequence change replaces isoleucine, which is neutral and non-polar, with valine, which is neutral and non-polar, at codon 329 of the CTNS protein (p.Ile329Val).

NM_004937.3(CTNS):c.985A>G (p.Ile329Val)

Gene: CTNS (cystinosin, lysosomal cystine transporter; plus strand). Cytogenetic location: 17p13.2.
Variant type: single nucleotide variant.
Coding change: c.985A>G on transcript NM_004937.3 (MANE Select); coding-DNA position 985, A replaced by G.
Protein change: p.Ile329Val; replaces isoleucine 329 with valine.
Molecular consequence: missense variant.
Genome position (GRCh38, 1-based): chr17:3,660,250, A>G. VCF-style: chr17-3660250-A-G. GRCh37 (hg19) VCF-style: chr17-3563544-A-G.
Other names: c.985A>G, p.Ile329Val (NM_001031681.3, NM_001374492.1); c.544A>G, p.Ile182Val (NM_001374493.1, NM_001374494.1, NM_001374495.1 and 1 more transcripts); short protein forms I329V, I182V.
Identifiers: ClinVar variation 2016503 (VCV002016503.4), dbSNP rs2507793808, ClinGen allele CA397694036.